The following is an entry in ClinVar:

ClinVar aggregate classification (germline): Uncertain significance. Review status: criteria provided, multiple submitters, no conflicts (2 of 4 stars). 2 submissions from 2 submitters: Uncertain significance (2). Last evaluated 2025-02-10.

Conditions:
Cardiovascular phenotype. Identifiers: MedGen CN230736.

Submissions (2):

Ambry Genetics
Classification: Uncertain significance for Cardiovascular phenotype. Last evaluated: 2025-02-10. Review status: criteria provided, single submitter. Criteria: Ambry Variant Classification Scheme 2023. Collection method: clinical testing. Allele origin: germline.
Comment: The p.P52L variant (also known as c.155C>T), located in coding exon 1 of the ALPK3 gene, results from a C to T substitution at nucleotide position 155. The proline at codon 52 is replaced by leucine, an amino acid with similar properties. This amino acid position is conserved. In addition, this alteration is predicted to be tolerated by in silico analysis. Based on the available evidence, the clinical significance of this variant remains unclear.

Labcorp Genetics (formerly Invitae), Labcorp
Classification: Uncertain significance. Last evaluated: 2024-09-02. Review status: criteria provided, single submitter. Criteria: Invitae Variant Classification Sherloc (09022015). Collection method: clinical testing. Allele origin: germline.
Comment: This sequence change replaces proline, which is neutral and non-polar, with leucine, which is neutral and non-polar, at codon 52 of the ALPK3 protein (p.Pro52Leu). This variant is not present in population databases (gnomAD no frequency). This variant has not been reported in the literature in individuals affected with ALPK3-related conditions. An algorithm developed to predict the effect of missense changes on protein structure and function (PolyPhen-2) suggests that this variant is likely to be disruptive. In summary, the available evidence is currently insufficient to determine the role of this variant in disease. Therefore, it has been classified as a Variant of Uncertain Significance.

NC_000015.10:g.84817001C>T

Gene: ALPK3 (alpha kinase 3; plus strand). Cytogenetic location: 15q25.3.
Variant type: single nucleotide variant.
Genome position: GRCh38 VCF-style: chr15-84817001-C-T. GRCh37 (hg19) VCF-style: chr15-85360232-C-T.
Other names: short protein forms P52L.
Identifiers: ClinVar variation 3702051 (VCV003702051.3).